The following is an entry in ClinVar:

ClinVar aggregate classification (germline): Uncertain significance. Review status: criteria provided, multiple submitters, no conflicts (2 of 4 stars). 2 submissions from 2 submitters: Uncertain significance (2). Last evaluated 2024-12-14.

Conditions:
Inborn genetic diseases. Identifiers: MedGen C0950123, MeSH D030342.

Allele frequency attached by ClinVar (database versions not stated): ExAC 0.00001; gnomAD 0.00001; gnomAD exomes 0.00001; TOPMed 0.00002.

Submissions (2):

Ambry Genetics
Classification: Uncertain significance for Inborn genetic diseases. Last evaluated: 2024-12-14. Review status: criteria provided, single submitter. Criteria: Ambry Variant Classification Scheme 2023. Collection method: clinical testing. Allele origin: germline.

Labcorp Genetics (formerly Invitae), Labcorp
Classification: Uncertain significance. Last evaluated: 2022-08-31. Review status: criteria provided, single submitter. Criteria: Invitae Variant Classification Sherloc (09022015). Collection method: clinical testing. Allele origin: germline.
Comment: In summary, the available evidence is currently insufficient to determine the role of this variant in disease. Therefore, it has been classified as a Variant of Uncertain Significance. Algorithms developed to predict the effect of missense changes on protein structure and function are either unavailable or do not agree on the potential impact of this missense change (SIFT: "Deleterious"; PolyPhen-2: "Probably Damaging"; Align-GVGD: "Class C0"). This variant has not been reported in the literature in individuals affected with KATNB1-related conditions. This variant is present in population databases (rs782279465, gnomAD 0.01%). This sequence change replaces valine, which is neutral and non-polar, with methionine, which is neutral and non-polar, at codon 299 of the KATNB1 protein (p.Val299Met).

NM_005886.3(KATNB1):c.895G>A (p.Val299Met)

Gene: KATNB1 (katanin regulatory subunit B1; plus strand). Cytogenetic location: 16q21.
Variant type: single nucleotide variant.
Coding change: c.895G>A on transcript NM_005886.3 (MANE Select); coding-DNA position 895, G replaced by A.
Protein change: p.Val299Met; replaces valine 299 with methionine.
Molecular consequence: missense variant.
Genome position (GRCh38, 1-based): chr16:57,753,116, G>A. VCF-style: chr16-57753116-G-A. GRCh37 (hg19) VCF-style: chr16-57787028-G-A.
Other names: c.895G>A (NM_005886.2); short protein forms V299M.
Identifiers: ClinVar variation 2190354 (VCV002190354.3), dbSNP rs782279465, ClinGen allele CA8080938.